The following is an entry in ClinVar:

ClinVar aggregate classification (germline): Uncertain significance (1 of 4 stars; one submission).

gnomAD v4.1: 2 of 1,614,122 alleles (0.00012%); highest among the groups gnomAD compares: Non-Finnish European, 0.00017%; no homozygotes.

Submission:

Ambry Genetics
Classification: Uncertain significance. Last evaluated: 2026-05-03. Review status: criteria provided, single submitter. Criteria: Ambry Variant Classification Scheme 2023. Collection method: clinical testing. Allele origin: germline.
Comment: The p.P22T variant (also known as c.64C>A), located in coding exon 1 of the TET2 gene, results from a C to A substitution at nucleotide position 64. The proline at codon 22 is replaced by threonine, an amino acid with highly similar properties. This amino acid position is conserved. In addition, this alteration is predicted to be tolerated by in silico analysis. Based on the available evidence, the clinical significance of this variant remains unclear.

NM_001127208.3(TET2):c.64C>A (p.Pro22Thr)

Genes: TET2 (tet methylcytosine dioxygenase 2; plus strand), TET2-AS1 (TET2 antisense RNA 1; minus strand). Cytogenetic location: 4q24.
Variant type: single nucleotide variant.
Coding change: c.64C>A on transcript NM_001127208.3 (MANE Select); coding-DNA position 64, C replaced by A.
Protein change: p.Pro22Thr; replaces proline 22 with threonine.
Molecular consequence: missense variant.
Genome position (GRCh38, 1-based): chr4:105,234,006, C>A. VCF-style: chr4-105234006-C-A. GRCh37 (hg19) VCF-style: chr4-106155163-C-A.
Other names: c.64C>A, p.Pro22Thr (NM_017628.4); short protein forms P22T.
Identifiers: ClinVar variation 4865564 (VCV004865564.1).
Genomic context (GRCh38, chr4:105,234,006, plus strand): 5'-GAACAGGATAGAACCAACCATGTTGAGGGCAACAGACTAAGTCCATTCCTGATACCATCA[C>A]CTCCCATTTGCCAGACAGAACCTCTGGCTACAAAGCTCCAGAATGGAAGCCCACTGCCTG-3'
Protein context (NP_001120680.1, residues 12-32): NRLSPFLIPS[Pro22Thr]PICQTEPLAT